The following is an entry in ClinVar:

ClinVar aggregate classification (germline): Uncertain significance (1 of 4 stars; one submission).

Conditions:
Severe combined immunodeficiency due to CARMIL2 deficiency. Also called: IMMUNODEFICIENCY 58. Identifiers: Orphanet 542301, MedGen C4748304, MONDO:0029134, OMIM 618131.

Allele frequency attached by ClinVar (database versions not stated): gnomAD exomes below 0.00001.

Submission:

Baylor Genetics
Classification: Uncertain significance for Severe combined immunodeficiency due to CARMIL2 deficiency. Last evaluated: 2020-04-27. Review status: criteria provided, single submitter. Criteria: ACMG Guidelines, 2015. Collection method: clinical testing. Allele origin: unknown. Affected: yes.
Comment: This variant was determined to be of uncertain significance according to ACMG Guidelines, 2015 [PMID:25741868].

NM_001013838.3(CARMIL2):c.745G>A (p.Glu249Lys)

Gene: CARMIL2 (capping protein regulator and myosin 1 linker 2; plus strand). Cytogenetic location: 16q22.1.
Variant type: single nucleotide variant.
Coding change: c.745G>A on transcript NM_001013838.3 (MANE Select); coding-DNA position 745, G replaced by A.
Protein change: p.Glu249Lys; replaces glutamic acid 249 with lysine.
Molecular consequence: missense variant.
Genome position (GRCh38, 1-based): chr16:67,647,356, G>A. VCF-style: chr16-67647356-G-A. GRCh37 (hg19) VCF-style: chr16-67681259-G-A.
Other names: c.745G>A, p.Glu249Lys (NM_001317026.3); short protein forms E249K.
Identifiers: ClinVar variation 1028934 (VCV001028934.1), dbSNP rs2052613710, ClinGen allele CA396332740.